The following is an entry in ClinVar:

ClinVar aggregate classification (germline): Uncertain significance (1 of 4 stars; one submission).

Allele frequency attached by ClinVar (database versions not stated): gnomAD exomes below 0.00001.
gnomAD v4.1: 5 of 1,613,586 alleles (0.00031%); highest among the groups gnomAD compares: Non-Finnish European, 0.00042%; no homozygotes.

Submission:

Labcorp Genetics (formerly Invitae), Labcorp
Classification: Uncertain significance. Last evaluated: 2021-11-16. Review status: criteria provided, single submitter. Criteria: Invitae Variant Classification Sherloc (09022015). Collection method: clinical testing. Allele origin: germline.
Comment: In summary, the available evidence is currently insufficient to determine the role of this variant in disease. Therefore, it has been classified as a Variant of Uncertain Significance. Advanced modeling of protein sequence and biophysical properties (such as structural, functional, and spatial information, amino acid conservation, physicochemical variation, residue mobility, and thermodynamic stability) performed at Invitae indicates that this missense variant is expected to disrupt LRP5 protein function. This variant has not been reported in the literature in individuals affected with LRP5-related conditions. This variant is present in population databases (no rsID available, gnomAD 0.0009%). This sequence change replaces glutamic acid, which is acidic and polar, with glycine, which is neutral and non-polar, at codon 1102 of the LRP5 protein (p.Glu1102Gly).

NM_002335.4(LRP5):c.3305A>G (p.Glu1102Gly)

Gene: LRP5 (LDL receptor related protein 5; plus strand). Cytogenetic location: 11q13.2.
Variant type: single nucleotide variant.
Coding change: c.3305A>G on transcript NM_002335.4 (MANE Select); coding-DNA position 3305, A replaced by G.
Protein change: p.Glu1102Gly; replaces glutamic acid 1102 with glycine.
Molecular consequence: missense variant.
Genome position (GRCh38, 1-based): chr11:68,425,170, A>G. VCF-style: chr11-68425170-A-G. GRCh37 (hg19) VCF-style: chr11-68192638-A-G.
Other names: c.1562A>G, p.Glu521Gly (NM_001291902.2); short protein forms E1102G, E521G.
Identifiers: ClinVar variation 1352026 (VCV001352026.6), dbSNP rs1442479957, ClinGen allele CA381621412.